The following is an entry in ClinVar:

ClinVar aggregate classification (germline): Uncertain significance (1 of 4 stars; one submission).

Allele frequency attached by ClinVar (database versions not stated): TOPMed 0.00013; gnomAD 0.00015; 1000 Genomes Project 30x 0.00109; ExAC 0.00007; 1000 Genomes Project 0.00100.

Submission:

GeneDx
Classification: Uncertain significance. Last evaluated: 2023-04-03. Review status: criteria provided, single submitter. Criteria: GeneDx Variant Classification Process June 2021. Collection method: clinical testing. Allele origin: germline. Affected: yes.
Comment: In silico analysis supports that this missense variant has a deleterious effect on protein structure/function; Has not been previously published as pathogenic or benign to our knowledge

NM_001379659.1(ZNF142):c.13C>T (p.Leu5Phe)

Gene: ZNF142 (zinc finger protein 142; minus strand). Cytogenetic location: 2q35.
Variant type: single nucleotide variant.
Coding change: c.13C>T on transcript NM_001379659.1 (MANE Select); coding-DNA position 13, C replaced by T.
Protein change: p.Leu5Phe; replaces leucine 5 with phenylalanine.
Molecular consequence: missense variant.
Genome position (GRCh38, 1-based): chr2:218,656,417, G>A on the plus strand (C>T on the coding strand, the complement: ZNF142 is on the minus strand). VCF-style: chr2-218656417-G-A. GRCh37 (hg19) VCF-style: chr2-219521140-G-A.
Other names: c.-599C>T (NM_001366289.3, NM_001366287.3, NM_001366288.3); c.13C>T, p.Leu5Phe (NM_001366290.3, NM_001366291.3, NM_001367339.1 and 7 more transcripts); short protein forms L5F.
Identifiers: ClinVar variation 2662419 (VCV002662419.1), dbSNP rs552892991, ClinGen allele CA2109571.